The following is an entry in ClinVar:

NM_001312909.2(FAM111A):c.1396A>T (p.Ser466Cys)

Gene: FAM111A (FAM111 trypsin like peptidase A; plus strand). Cytogenetic location: 11q12.1.
Variant type: single nucleotide variant.
Coding change: c.1396A>T on transcript NM_001312909.2 (MANE Select); coding-DNA position 1396, A replaced by T.
Protein change: p.Ser466Cys; replaces serine 466 with cysteine.
Molecular consequence: missense variant.
Genome position (GRCh38, 1-based): chr11:59,153,064, A>T. VCF-style: chr11-59153064-A-T. GRCh37 (hg19) VCF-style: chr11-58920537-A-T.
Other names: c.1396A>T, p.Ser466Cys (NM_001142519.3, NM_001142520.3, NM_001142521.3 and 29 more transcripts); short protein forms S466C.
Identifiers: ClinVar variation 3377904 (VCV003377904.1).
Genomic context (GRCh38, chr11:59,153,064, plus strand): 5'-AAGGAAAATGGACAACAAGTACCTATGGAACTATATAATGGAATTACTCCTGTGCCACTT[A>T]GTGGGTTGATACATATTATTGGCCATCCATATGGAGAAAAAAAGCAGATTGATGCTTGTG-3'
Protein context (NP_001299838.1, residues 456-476): LYNGITPVPL[Ser466Cys]GLIHIIGHPY

ClinVar aggregate classification (germline): Uncertain significance (1 of 4 stars; one submission).

Submission:

GeneDx
Classification: Uncertain significance. Last evaluated: 2024-05-15. Review status: criteria provided, single submitter. Criteria: GeneDx Variant Classification Process June 2021. Collection method: clinical testing. Allele origin: germline. Affected: yes.
Comment: Not observed at significant frequency in large population cohorts (gnomAD); In silico analysis supports that this missense variant has a deleterious effect on protein structure/function; Has not been previously published as pathogenic or benign to our knowledge